The following is an entry in ClinVar:

ClinVar aggregate classification (germline): Uncertain significance (1 of 4 stars; one submission).

Submission:

Labcorp Genetics (formerly Invitae), Labcorp
Classification: Uncertain significance. Last evaluated: 2022-09-07. Review status: criteria provided, single submitter. Criteria: Invitae Variant Classification Sherloc (09022015). Collection method: clinical testing. Allele origin: germline.
Comment: In summary, the available evidence is currently insufficient to determine the role of this variant in disease. Therefore, it has been classified as a Variant of Uncertain Significance. Algorithms developed to predict the effect of missense changes on protein structure and function (SIFT, PolyPhen-2, Align-GVGD) all suggest that this variant is likely to be tolerated. This variant has not been reported in the literature in individuals affected with MAPKBP1-related conditions. This variant is not present in population databases (gnomAD no frequency). This sequence change replaces proline, which is neutral and non-polar, with threonine, which is neutral and polar, at codon 1160 of the MAPKBP1 protein (p.Pro1160Thr).

NM_014994.3(MAPKBP1):c.3460C>A (p.Pro1154Thr)

Gene: MAPKBP1 (mitogen-activated protein kinase binding protein 1; plus strand). Cytogenetic location: 15q15.1.
Variant type: single nucleotide variant.
Coding change: c.3460C>A on transcript NM_014994.3 (MANE Select); coding-DNA position 3460, C replaced by A.
Protein change: p.Pro1154Thr; replaces proline 1154 with threonine.
Molecular consequence: missense variant. On other transcripts: non-coding transcript variant (2), intron variant (1).
Genome position (GRCh38, 1-based): chr15:41,823,084, C>A. VCF-style: chr15-41823084-C-A. GRCh37 (hg19) VCF-style: chr15-42115282-C-A.
Other names: c.3478C>A, p.Pro1160Thr (NM_001128608.2); c.3382+78C>A (NM_001265611.2); short protein forms P1154T, P1160T.
Identifiers: ClinVar variation 2061874 (VCV002061874.4), dbSNP rs2065028969, ClinGen allele CA391876611.